The following is an entry in ClinVar:

ClinVar aggregate classification (germline): Uncertain significance. Review status: criteria provided, multiple submitters, no conflicts (2 of 4 stars). 2 submissions from 2 submitters: Uncertain significance (2). Last evaluated 2024-03-07.

Conditions:
Arrhythmogenic cardiomyopathy with wooly hair and keratoderma. Also called: Dilated cardiomyopathy with woolly hair and keratoderma; Carvajal syndrome; PALMOPLANTAR KERATODERMA WITH LEFT VENTRICULAR CARDIOMYOPATHY AND WOOLLY HAIR; Arrhythmogenic cardiomyopathy with woolly hair and keratoderma. Identifiers: Orphanet 65282, MedGen C1854063, MONDO:0011581, OMIM 605676.
Arrhythmogenic right ventricular dysplasia 8 (ARVD8). Also called: Arrhythmogenic Right Ventricular Dysplasia/Cardiomyopathy 8; ARRHYTHMOGENIC RIGHT VENTRICULAR DYSPLASIA, FAMILIAL, 8; ARRHYTHMOGENIC RIGHT VENTRICULAR CARDIOMYOPATHY 8. Identifiers: MedGen C1843896, MONDO:0011831, OMIM 607450.
Cardiomyopathy (CMYO). Also called: Cardiomyopathies. Identifiers: Orphanet 167848, MedGen C0878544, MONDO:0004994, HP:0001638. Inheritance: Various modes of inheritance.

Submissions (2):

Color Diagnostics, LLC DBA Color Health
Classification: Uncertain significance for Cardiomyopathy. Last evaluated: 2024-03-07. Review status: criteria provided, single submitter. Criteria: ACMG Guidelines, 2015. Collection method: clinical testing. Allele origin: germline.
Comment: This missense variant replaces lysine with threonine at codon 2035 of the DSP protein. Computational prediction suggests that this variant may not impact protein structure and function (internally defined REVEL score threshold <= 0.5, PMID: 27666373). To our knowledge, functional studies have not been reported for this variant. This variant has not been reported in individuals affected with cardiovascular disorders in the literature. This variant has not been identified in the general population by the Genome Aggregation Database (gnomAD). The available evidence is insufficient to determine the role of this variant in disease conclusively. Therefore, this variant is classified as a Variant of Uncertain Significance.

Labcorp Genetics (formerly Invitae), Labcorp
Classification: Uncertain significance for Arrhythmogenic cardiomyopathy with wooly hair and keratoderma; Arrhythmogenic right ventricular dysplasia 8. Last evaluated: 2022-10-18. Review status: criteria provided, single submitter. Criteria: Invitae Variant Classification Sherloc (09022015). Collection method: clinical testing. Allele origin: germline.
Comment: In summary, the available evidence is currently insufficient to determine the role of this variant in disease. Therefore, it has been classified as a Variant of Uncertain Significance. Algorithms developed to predict the effect of missense changes on protein structure and function are either unavailable or do not agree on the potential impact of this missense change (SIFT: "Deleterious"; PolyPhen-2: "Benign"; Align-GVGD: "Class C65"). This variant has not been reported in the literature in individuals affected with DSP-related conditions. This variant is not present in population databases (gnomAD no frequency). This sequence change replaces lysine, which is basic and polar, with threonine, which is neutral and polar, at codon 2035 of the DSP protein (p.Lys2035Thr).

NM_004415.4(DSP):c.6104A>C (p.Lys2035Thr)

Gene: DSP (desmoplakin; plus strand). Cytogenetic location: 6p24.3.
Variant type: single nucleotide variant.
Coding change: c.6104A>C on transcript NM_004415.4 (MANE Select); coding-DNA position 6104, A replaced by C.
Protein change: p.Lys2035Thr; replaces lysine 2035 with threonine.
Molecular consequence: missense variant.
Genome position (GRCh38, 1-based): chr6:7,583,366, A>C. VCF-style: chr6-7583366-A-C. GRCh37 (hg19) VCF-style: chr6-7583599-A-C.
Other names: c.4307A>C, p.Lys1436Thr (NM_001008844.3); c.4775A>C, p.Lys1592Thr (NM_001319034.2); short protein forms K2035T, K1436T, K1592T.
Identifiers: ClinVar variation 2189239 (VCV002189239.6), dbSNP rs2533939335, ClinGen allele CA362690083.